The following is an entry in ClinVar:

NM_152703.5(SAMD9L):c.543T>C (p.Tyr181=)

Gene: SAMD9L (sterile alpha motif domain containing 9 like; minus strand). Cytogenetic location: 7q21.2.
Variant type: single nucleotide variant.
Coding change: c.543T>C on transcript NM_152703.5 (MANE Select); coding-DNA position 543, T replaced by C.
Protein change: p.Tyr181=; no amino-acid change (tyrosine 181 retained).
Molecular consequence: synonymous variant.
Genome position (GRCh38, 1-based): chr7:93,135,429, A>G on the plus strand (T>C on the coding strand, the complement: SAMD9L is on the minus strand). VCF-style: chr7-93135429-A-G. GRCh37 (hg19) VCF-style: chr7-92764742-A-G.
Other names: c.543T>C, p.Tyr181= (NM_001303496.3, NM_001303497.3, NM_001303498.3 and 5 more transcripts); c.543T>C (NM_152703.3, NM_152703.2).
Identifiers: ClinVar variation 2877375 (VCV002877375.6), dbSNP rs546136021, ClinGen allele CA4343851.

ClinVar aggregate classification (germline): Likely benign. Review status: criteria provided, multiple submitters, no conflicts (2 of 4 stars). 3 submissions from 3 submitters: Likely benign (2). 1 of the submissions does not count toward it. Last evaluated 2024-11-26.

Conditions:
Inborn genetic diseases. Identifiers: MedGen C0950123, MeSH D030342.
SAMD9L-related disorder. Also called: SAMD9L-related disorders; SAMD9L-related condition.

Allele frequency attached by ClinVar (database versions not stated): gnomAD exomes below 0.00001; TOPMed 0.00002; ExAC 0.00003; gnomAD 0.00003; 1000 Genomes Project 30x 0.00031; 1000 Genomes Project 0.00040.
gnomAD v4.1: 8 of 1,614,180 alleles (0.0005%); highest among the groups gnomAD compares: African/African-American, 0.008%; no homozygotes.

Submissions (3):

Ambry Genetics
Classification: Likely benign for Inborn genetic diseases. Last evaluated: 2024-11-26. Review status: criteria provided, single submitter. Criteria: Ambry Variant Classification Scheme 2023. Collection method: clinical testing. Allele origin: germline.

Labcorp Genetics (formerly Invitae), Labcorp
Classification: Likely benign. Last evaluated: 2023-04-06. Review status: criteria provided, single submitter. Criteria: Invitae Variant Classification Sherloc (09022015). Collection method: clinical testing. Allele origin: germline.

PreventionGenetics, part of Exact Sciences
Classification: Likely benign for SAMD9L-related condition. Last evaluated: 2023-03-14. Review status: no assertion criteria provided. Collection method: clinical testing. Allele origin: germline. Not counted in ClinVar's aggregate classification.
Comment: This variant is classified as likely benign based on ACMG/AMP sequence variant interpretation guidelines (Richards et al. 2015 PMID: 25741868, with internal and published modifications).